The following is an entry in ClinVar:

NM_004360.5(CDH1):c.1848T>A (p.Asp616Glu)

Gene: CDH1 (cadherin 1; plus strand). Cytogenetic location: 16q22.1.
Variant type: single nucleotide variant.
Coding change: c.1848T>A on transcript NM_004360.5 (MANE Select); coding-DNA position 1848, T replaced by A.
Protein change: p.Asp616Glu; replaces aspartic acid 616 with glutamic acid.
Molecular consequence: missense variant. On other transcripts: 5 prime UTR variant (1).
Genome position (GRCh38, 1-based): chr16:68,822,137, T>A. VCF-style: chr16-68822137-T-A. GRCh37 (hg19) VCF-style: chr16-68856040-T-A.
Other names: c.1665T>A, p.Asp555Glu (NM_001317184.2); c.300T>A, p.Asp100Glu (NM_001317185.2); c.-118T>A (NM_001317186.2); short protein forms D616E, D555E, D100E.
Identifiers: ClinVar variation 5033912 (VCV005033912.1).
Genomic context (GRCh38, chr16:68,822,137, plus strand): 5'-ACCTCGAACTATATTCTTCTGTGAGAGGAATCCAAAGCCTCAGGTCATAAACATCATTGA[T>A]GCAGACCTTCCTCCCAATACATCTCCCTTCACAGCAGAACTAACACACGGGGCGAGTGCC-3'
Protein context (NP_004351.1, residues 606-626): NPKPQVINII[Asp616Glu]ADLPPNTSPF

ClinVar aggregate classification (germline): Uncertain significance (1 of 4 stars; one submission).

Conditions:
Hereditary cancer-predisposing syndrome. Also called: Neoplastic Syndromes, Hereditary; Tumor predisposition; Hereditary neoplastic syndrome; Hereditary Cancer Syndrome. Identifiers: Orphanet 140162, MedGen C0027672, MeSH D009386, MONDO:0015356.

Submission:

Ambry Genetics
Classification: Uncertain significance for Hereditary cancer-predisposing syndrome. Last evaluated: 2026-07-06. Review status: criteria provided, single submitter. Criteria: Ambry Variant Classification Scheme 2023. Collection method: clinical testing. Allele origin: germline.
Comment: The p.D616E variant (also known as c.1848T>A), located in coding exon 12 of the CDH1 gene, results from a T to A substitution at nucleotide position 1848. The aspartic acid at codon 616 is replaced by glutamic acid, an amino acid with highly similar properties. This amino acid position is conserved. In addition, this alteration is predicted to be deleterious by in silico analysis. Based on the available evidence, the clinical significance of this variant remains unclear.